The following is an entry in ClinVar:

ClinVar aggregate classification (germline): Benign/Likely benign. Review status: criteria provided, multiple submitters, no conflicts (2 of 4 stars). 9 submissions from 9 submitters: Benign (2); Likely benign (7). Last evaluated 2026-01-20.

Conditions:
Kidney disorder. Also called: renal disorder; Nephropathy; renal disease; Kidney disease; Kidney Diseases. Identifiers: MedGen C0022658, MONDO:0005240, HP:0000112.
Nephronophthisis. Also called: Juvenile Nephronophthisis. Identifiers: Orphanet 655, MedGen C0687120, MONDO:0019005, HP:0000090.
NPHP3-related Meckel-like syndrome. Also called: GOLDSTON SYNDROME; Meckel syndrome type 7. Identifiers: Orphanet 3032, MedGen C2673885, MONDO:0009966, OMIM 267010.
Renal-hepatic-pancreatic dysplasia 1 (RHPD1). Identifiers: MedGen C3715199, MONDO:0008833, OMIM 208540.
Nephronophthisis 3 (NPHP3). Also called: Adolescent nephronophthisis. Identifiers: Orphanet 655, MedGen C1858392, MONDO:0011456, OMIM 604387.

Allele frequency attached by ClinVar (database versions not stated): gnomAD exomes 0.00014 and 0.00031; ExAC 0.00046; ESP Exome Variant Server 0.00100; gnomAD 0.00120 and 0.00121; TOPMed 0.00150; 1000 Genomes Project 30x 0.00250; 1000 Genomes Project 0.00300.
gnomAD v4.1: 413 of 1,463,642 alleles (0.028%); highest among the groups gnomAD compares: African/African-American, 0.42%; 1 homozygote.

Submissions (9):

Labcorp Genetics (formerly Invitae), Labcorp
Classification: Benign for Nephronophthisis. Last evaluated: 2026-01-20. Review status: criteria provided, single submitter. Criteria: Invitae Variant Classification Sherloc (09022015). Collection method: clinical testing. Allele origin: germline.

Mayo Clinic Laboratories, Mayo Clinic
Classification: Likely benign. Last evaluated: 2025-10-06. Review status: criteria provided, single submitter. Criteria: ACMG Guidelines, 2015. Collection method: clinical testing. Allele origin: germline. Observed: 2 variant alleles.
Comment: BS1, BP4, BP7

Blueprint Genetics
Classification: Likely benign. Last evaluated: 2024-10-02. Review status: criteria provided, single submitter. Criteria: ACMG Guidelines, 2015. Collection method: clinical testing. Allele origin: germline.

CeGaT Center for Human Genetics Tuebingen
Classification: Likely benign. Last evaluated: 2024-10-01. Review status: criteria provided, single submitter. Criteria: CeGaT Center For Human Genetics Tuebingen Variant Classification Criteria Version 2. Collection method: clinical testing. Allele origin: germline. Affected: yes. Observed: 1 variant allele.
Comment: NPHP3: BP4, BP7

Fulgent Genetics
Classification: Likely benign for Renal-hepatic-pancreatic dysplasia 1; NPHP3-related Meckel-like syndrome; Nephronophthisis 3. Last evaluated: 2021-12-05. Review status: criteria provided, single submitter. Criteria: ACMG Guidelines, 2015. Collection method: clinical testing. Allele origin: unknown.

GeneDx
Classification: Likely benign. Last evaluated: 2021-10-19. Review status: criteria provided, single submitter. Criteria: GeneDx Variant Classification Process June 2021. Collection method: clinical testing. Allele origin: germline. Affected: yes.

Eurofins Ntd Llc (ga)
Classification: Likely benign. Last evaluated: 2017-07-06. Review status: criteria provided, single submitter. Criteria: EGL Classification Definitions 2015. Collection method: clinical testing. Allele origin: germline. Observed: 7 variant alleles, 7 heterozygotes.

Genome Diagnostics Laboratory, The Hospital for Sick Children
Classification: Likely benign for Kidney disorder. Last evaluated: 2017-02-06. Review status: criteria provided, single submitter. Criteria: ACMG Guidelines, 2015. Collection method: clinical testing. Allele origin: germline.

PreventionGenetics, part of Exact Sciences
Classification: Benign. Review status: criteria provided, single submitter. Criteria: ACMG Guidelines, 2015. Collection method: clinical testing. Allele origin: germline.

NM_153240.5(NPHP3):c.3189A>G (p.Lys1063=)

Genes: NPHP3-ACAD11 (NPHP3-ACAD11 readthrough (NMD candidate); minus strand), NPHP3 (nephrocystin 3; minus strand). Cytogenetic location: 3q22.1.
Variant type: single nucleotide variant.
Coding change: c.3189A>G on transcript NM_153240.5 (MANE Select); coding-DNA position 3189, A replaced by G.
Protein change: p.Lys1063=; no amino-acid change (lysine 1063 retained).
Molecular consequence: synonymous variant. On other transcripts: non-coding transcript variant (1).
Genome position (GRCh38, 1-based): chr3:132,687,163, T>C on the plus strand (A>G on the coding strand, the complement: NPHP3 is on the minus strand). VCF-style: chr3-132687163-T-C. GRCh37 (hg19) VCF-style: chr3-132406007-T-C.
Other names: p.Lys1063=.
Identifiers: ClinVar variation 262703 (VCV000262703.38), dbSNP rs112386774, ClinGen allele CA2621816.